The following is an entry in ClinVar:

NM_000051.4(ATM):c.186-1_197del

Gene: ATM (ATM serine/threonine kinase; plus strand). Cytogenetic location: 11q22.3.
Variant type: Deletion.
Coding change: c.186-1_197del on transcript NM_000051.4 (MANE Select); the canonical splice acceptor site of the intron before coding-DNA position 186 through coding-DNA position 197, 13 bases deleted (GATTTTTACAGAA).
Molecular consequence: splice acceptor variant.
Genome position (GRCh38, 1-based): chr11:108,229,177-108,229,189, GATTTTTACAGAA deleted; deleting any 13 consecutive bases within chr11:108,229,174-108,229,189 gives the same sequence; the c. name uses the placement nearest the transcript's 3' end. VCF-style (leftmost placement, unchanged base first): chr11-108229173-TGAAGATTTTTACA-T. GRCh37 (hg19) VCF-style: chr11-108099900-TGAAGATTTTTACA-T.
Other names: c.186-1_197del (NM_001351834.2, NM_001351835.2, NM_001351836.2).
Identifiers: ClinVar variation 3148346 (VCV003148346.1), dbSNP rs2496917978, ClinGen allele CA2825001742.

ClinVar aggregate classification (germline): Likely pathogenic (1 of 4 stars; one submission).

Conditions:
Familial cancer of breast. Also called: BREAST CANCER, FAMILIAL; Hereditary breast cancer; hereditary breast carcinoma. Identifiers: Orphanet 227535, MedGen C0346153, MONDO:0016419, OMIM 114480. Disease mechanism: loss of function.

Submission:

Myriad Genetics, Inc.
Classification: Likely pathogenic for Familial cancer of breast. Last evaluated: 2024-01-08. Review status: criteria provided, single submitter. Criteria: Myriad Autosomal Dominant, Autosomal Recessive and X-Linked Classification Criteria (2023). Collection method: clinical testing. Allele origin: unknown.
Comment: This variant is considered likely pathogenic. This variant occurs within a consensus splice junction and is predicted to result in abnormal mRNA splicing of either an out-of-frame exon or an in-frame exon necessary for protein stability and/or normal function.